The following is an entry in ClinVar:

NM_199168.4(CXCL12):c.*881G>T

Gene: CXCL12 (C-X-C motif chemokine ligand 12; minus strand). Cytogenetic location: 10q11.21.
Variant type: single nucleotide variant.
Coding change: c.*881G>T on transcript NM_199168.4 (MANE Select); 881 bases downstream of the stop codon, G replaced by T.
Molecular consequence: 3 prime UTR variant. On other transcripts: synonymous variant (1), intron variant (3).
Genome position (GRCh38, 1-based): chr10:44,377,752, C>A on the plus strand (G>T on the coding strand, the complement: CXCL12 is on the minus strand). VCF-style: chr10-44377752-C-A. GRCh37 (hg19) VCF-style: chr10-44873200-C-A.
Other names: c.420G>T, p.Val140= (NM_001178134.2); c.109+3081G>T (NM_001277990.2); c.266+885G>T (NM_000609.7, NM_001033886.2); c.420G>T (NM_001178134.1).
Identifiers: ClinVar variation 2640421 (VCV002640421.25), dbSNP rs17880170, ClinGen allele CA5479100.

ClinVar aggregate classification (germline): Likely benign. Review status: criteria provided, single submitter (1 of 4 stars). 2 submissions from 2 submitters: Likely benign (1). 1 of the submissions does not count toward it. Last evaluated 2023-01-01.

Conditions:
CXCL12-related disorder. Also called: CXCL12-related condition.

Allele frequency attached by ClinVar (database versions not stated): 1000 Genomes Project 30x 0.00187; 1000 Genomes Project 0.00200; gnomAD 0.00494; TOPMed 0.00530; ExAC 0.00553; ESP Exome Variant Server 0.00698.
gnomAD v4.1: 9,532 of 1,598,366 alleles (0.6%); highest among the groups gnomAD compares: Non-Finnish European, 0.63%; 46 homozygotes.

Submissions (2):

CeGaT Center for Human Genetics Tuebingen
Classification: Likely benign. Last evaluated: 2023-01-01. Review status: criteria provided, single submitter. Criteria: CeGaT Center For Human Genetics Tuebingen Variant Classification Criteria Version 2. Collection method: clinical testing. Allele origin: germline. Affected: yes. Observed: 1 variant allele.
Comment: CXCL12: BP4, BP7, BS2

PreventionGenetics, part of Exact Sciences
Classification: Benign for CXCL12-related condition. Last evaluated: 2019-10-31. Review status: no assertion criteria provided. Collection method: clinical testing. Allele origin: germline. Not counted in ClinVar's aggregate classification.
Comment: This variant is classified as benign based on ACMG/AMP sequence variant interpretation guidelines (Richards et al. 2015 PMID: 25741868, with internal and published modifications).